The following is an entry in ClinVar:

NM_001382430.1(AKT1):c.1246G>A (p.Val416Met)

Gene: AKT1 (AKT serine/threonine kinase 1; minus strand). Cytogenetic location: 14q32.33.
Variant type: single nucleotide variant.
Coding change: c.1246G>A on transcript NM_001382430.1 (MANE Select); coding-DNA position 1246, G replaced by A.
Protein change: p.Val416Met; replaces valine 416 with methionine.
Molecular consequence: missense variant.
Genome position (GRCh38, 1-based): chr14:104,772,379, C>T on the plus strand (G>A on the coding strand, the complement: AKT1 is on the minus strand). VCF-style: chr14-104772379-C-T. GRCh37 (hg19) VCF-style: chr14-105238716-C-T.
Other names: c.1246G>A, p.Val416Met (NM_001014431.2, NM_001014432.2, NM_001382431.1 and 3 more transcripts); short protein forms V416M.
Identifiers: ClinVar variation 1759663 (VCV001759663.3), dbSNP rs1308190883, ClinGen allele CA391216108.

ClinVar aggregate classification (germline): Uncertain significance. Review status: criteria provided, multiple submitters, no conflicts (2 of 4 stars). 2 submissions from 2 submitters: Uncertain significance (2). Last evaluated 2026-05-18.

Conditions:
Inborn genetic diseases. Identifiers: MedGen C0950123, MeSH D030342.

Allele frequency attached by ClinVar (database versions not stated): TOPMed 0.00001.
gnomAD v4.1: 3 of 1,613,898 alleles (0.00019%); highest among the groups gnomAD compares: Middle Eastern, 0.016%; no homozygotes.

Submissions (2):

Women's Health and Genetics/Laboratory Corporation of America, LabCorp
Classification: Uncertain significance. Last evaluated: 2026-05-18. Review status: criteria provided, single submitter. Criteria: LabCorp Variant Classification Summary - May 2015. Collection method: clinical testing. Allele origin: germline.
Comment: Variant summary: AKT1 c.1246G>A (p.Val416Met) results in a conservative amino acid change in the encoded protein sequence. Algorithms developed to predict the effect of missense changes on protein structure and function are either unavailable or do not agree on the potential impact of this missense change. The variant was absent in 251264 control chromosomes. The available data on variant occurrences in the general population are insufficient to allow any conclusion about variant significance. To our knowledge, no occurrence of c.1246G>A in individuals affected with AKT1-related conditions and no experimental evidence demonstrating its impact on protein function have been reported. ClinVar contains an entry for this variant (Variation ID: 1759663). Based on the evidence outlined above, the variant was classified as uncertain significance.

Ambry Genetics
Classification: Uncertain significance for Inborn genetic diseases. Last evaluated: 2021-10-01. Review status: criteria provided, single submitter. Criteria: Ambry Variant Classification Scheme 2023. Collection method: clinical testing. Allele origin: germline.
Comment: The p.V416M variant (also known as c.1246G>A), located in coding exon 11 of the AKT1 gene, results from a G to A substitution at nucleotide position 1246. The valine at codon 416 is replaced by methionine, an amino acid with highly similar properties. This amino acid position is conserved. In addition, this alteration is predicted to be tolerated by in silico analysis. Since supporting evidence is limited at this time, the clinical significance of this alteration remains unclear.